The following is an entry in ClinVar:

NM_001112808.3(FPGT-TNNI3K):c.1479A>C (p.Lys493Asn)

Genes: FPGT-TNNI3K (FPGT-TNNI3K readthrough; plus strand), TNNI3K (TNNI3 interacting kinase; plus strand). Cytogenetic location: 1p31.1.
Variant type: single nucleotide variant.
Coding change: c.1479A>C on transcript NM_001112808.3; coding-DNA position 1479, A replaced by C.
Protein change: p.Lys493Asn; replaces lysine 493 with asparagine.
Molecular consequence: missense variant.
Genome position (GRCh38, 1-based): chr1:74,354,128, A>C. VCF-style: chr1-74354128-A-C. GRCh37 (hg19) VCF-style: chr1-74819812-A-C.
Other names: c.1479A>C, p.Lys493Asn (NM_001199327.2); c.1176A>C, p.Lys392Asn (NM_015978.3); short protein forms K392N, K493N.
Identifiers: ClinVar variation 1049081 (VCV001049081.1), dbSNP rs756919841, ClinGen allele CA909173.
Genomic context (GRCh38, chr1:74,354,128, plus strand): 5'-TCCCAGCAGGTCTAGTGGTGAAAAAGATGAGCAGACATGTTTGATGTGGGCTTATGAAAA[A>C]GGTATATTTTTAATCATCGTGTCTCTATAGTGATACATTGAACTGTGTGCATAGATTATG-3'

ClinVar aggregate classification (germline): Uncertain significance (0 of 4 stars; one submission).

Allele frequency attached by ClinVar (database versions not stated): gnomAD exomes 0.00002; ExAC 0.00003.
gnomAD v4.1: 8 of 1,613,952 alleles (0.0005%); highest among the groups gnomAD compares: Non-Finnish European, 0.00068%; no homozygotes.

Submission:

Department of Pathology and Laboratory Medicine, Sinai Health System
Classification: Uncertain significance. Review status: no assertion criteria provided. Collection method: clinical testing. Allele origin: unknown. Affected: yes. Study: The Canadian Open Genetics Repository (COGR).
Comment: The TNNI3K p.Lys392Asn variant was not identified in the literature nor was it identified in ClinVar or LOVD 3.0. The variant was identified in dbSNP (ID: rs756919841) and in control databases in 6 of 251114 chromosomes at a frequency of 0.00002389 (Genome Aggregation Database March 6, 2019, v2.1.1). The variant was observed in the European (non-Finnish) population in 6 of 113490 chromosomes (freq: 0.000053), but was not observed in the African, Latino, Ashkenazi Jewish, East Asian, European (Finnish), South Asian, or other populations. The p.Lys392 residue is not conserved in mammals and computational analyses however four of five (PolyPhen-2, SIFT, AlignGVGD, BLOSUM, MutationTaster) computational analyses suggest that the variant may impact the protein. The p.Lys392Asn variant occurs in the second last base of the exon; this position has been shown to be part of the splicing consensus sequence and variants involving this position sometimes affect splicing. In addition, 3 of 4 in silico or computational prediction software programs (SpliceSiteFinder, MaxEntScan, NNSPLICE, GeneSplicer) predict a greater than 10% difference in splicing. In summary, based on the above information this variant meets our laboratory's criteria to be classified as variant of unknown significance.